The following is an entry in ClinVar:

NM_000465.4(BARD1):c.1405T>G (p.Cys469Gly)

Gene: BARD1 (BRCA1 associated RING domain 1; minus strand). Cytogenetic location: 2q35.
Variant type: single nucleotide variant.
Coding change: c.1405T>G on transcript NM_000465.4 (MANE Select); coding-DNA position 1405, T replaced by G.
Protein change: p.Cys469Gly; replaces cysteine 469 with glycine.
Molecular consequence: missense variant. On other transcripts: non-coding transcript variant (3), intron variant (3).
Genome position (GRCh38, 1-based): chr2:214,767,645, A>C on the plus strand (T>G on the coding strand, the complement: BARD1 is on the minus strand). VCF-style: chr2-214767645-A-C. GRCh37 (hg19) VCF-style: chr2-215632369-A-C.
Other names: c.1348T>G, p.Cys450Gly (NM_001282543.2); c.159-15090T>G (NM_001282548.2); c.216-15090T>G (NM_001282545.2); c.364+24652T>G (NM_001282549.2); short protein forms C469G, C450G.
Identifiers: ClinVar variation 418916 (VCV000418916.18), dbSNP rs940797218, ClinGen allele CA16617438.

ClinVar aggregate classification (germline): Uncertain significance. Review status: criteria provided, multiple submitters, no conflicts (2 of 4 stars). 4 submissions from 4 submitters: Uncertain significance (4). Last evaluated 2025-08-25.

Conditions:
Hereditary cancer-predisposing syndrome. Also called: Hereditary neoplastic syndrome; Tumor predisposition; Neoplastic Syndromes, Hereditary; Hereditary Cancer Syndrome. Identifiers: Orphanet 140162, MedGen C0027672, MeSH D009386, MONDO:0015356.
Familial cancer of breast. Also called: Hereditary breast cancer; BREAST CANCER, FAMILIAL; hereditary breast carcinoma. Identifiers: Orphanet 227535, MedGen C0346153, MONDO:0016419, OMIM 114480. Disease mechanism: loss of function.

Submissions (4):

Labcorp Genetics (formerly Invitae), Labcorp
Classification: Uncertain significance for Familial cancer of breast. Last evaluated: 2025-08-25. Review status: criteria provided, single submitter. Criteria: Invitae Variant Classification Sherloc (09022015). Collection method: clinical testing. Allele origin: germline.
Comment: This sequence change replaces cysteine, which is neutral and slightly polar, with glycine, which is neutral and non-polar, at codon 469 of the BARD1 protein (p.Cys469Gly). This variant is not present in population databases (gnomAD no frequency). This variant has not been reported in the literature in individuals affected with BARD1-related conditions. ClinVar contains an entry for this variant (Variation ID: 418916). An algorithm developed to predict the effect of missense changes on protein structure and function (PolyPhen-2) suggests that this variant is likely to be disruptive. In summary, the available evidence is currently insufficient to determine the role of this variant in disease. Therefore, it has been classified as a Variant of Uncertain Significance.

Ambry Genetics
Classification: Uncertain significance for Hereditary cancer-predisposing syndrome. Last evaluated: 2025-02-09. Review status: criteria provided, single submitter. Criteria: Ambry Variant Classification Scheme 2023. Collection method: clinical testing. Allele origin: germline.
Comment: The p.C469G variant (also known as c.1405T>G), located in coding exon 6 of the BARD1 gene, results from a T to G substitution at nucleotide position 1405. The cysteine at codon 469 is replaced by glycine, an amino acid with highly dissimilar properties. This variant was not reported in population based cohorts in the following databases: Database of Single Nucleotide Polymorphisms (dbSNP), NHLBI Exome Sequencing Project (ESP), and 1000 Genomes Project. In the ESP, this variant was not observed in 6503 samples (13006 alleles) with coverage at this position. To date, this alteration has been detected with an allele frequency of approximately 0.001% (greater than 175000 alleles tested) in our clinical cohort. This amino acid position is highly conserved in available vertebrate species. In addition, this alteration is predicted to be deleterious by in silico analysis. Since supporting evidence is limited at this time, the clinical significance of this alteration remains unclear.

Baylor Genetics
Classification: Uncertain significance for Familial cancer of breast. Last evaluated: 2024-03-01. Review status: criteria provided, single submitter. Criteria: ACMG Guidelines, 2015. Collection method: clinical testing. Allele origin: unknown.

GeneDx
Classification: Uncertain significance. Last evaluated: 2015-04-27. Review status: criteria provided, single submitter. Criteria: GeneDx Variant Classification (06012015). Collection method: clinical testing. Allele origin: germline. Affected: yes.
Comment: This variant is denoted BARD1 c.1405T>G at the cDNA level, p.Cys469Gly (C469G) at the protein level, and results in the change of a Cysteine to a Glycine (TGC>GGC). This variant has not, to our knowledge, been published in the literature as pathogenic or benign. BARD1 Cys469Gly was not observed in approximately 6,500 individuals of European and African American ancestry in the NHLBI Exome Sequencing Project, indicating it is not a common benign variant in these populations. Since Cysteine and Glycine differ in polarity, charge, size or other properties, this is considered a non-conservative amino acid substitution. BARD1 Cys469Gly occurs at a position that is conserved across species and is located in the ANK2 repeat (UniProt). In silico analyses predict that this variant is probably damaging to protein structure and function. Based on currently available information, it is unclear whether BARD1 Cys469Gly is pathogenic or benign. We consider it to be a variant of uncertain significance.